The following is an entry in ClinVar:

ClinVar aggregate classification (germline): Benign/Likely benign. Review status: criteria provided, multiple submitters, no conflicts (2 of 4 stars). 3 submissions from 3 submitters: Benign (1); Likely benign (2). Last evaluated 2025-04-29.

Conditions:
Tuberous sclerosis 1 (TSC1). Identifiers: Orphanet 805, MedGen C1854465, MONDO:0008612, OMIM 191100.
Hereditary cancer-predisposing syndrome. Also called: Hereditary Cancer Syndrome; Tumor predisposition; Neoplastic Syndromes, Hereditary; Hereditary neoplastic syndrome. Identifiers: Orphanet 140162, MedGen C0027672, MeSH D009386, MONDO:0015356.

Allele frequency attached by ClinVar (database versions not stated): gnomAD exomes below 0.00001.
gnomAD v4.1: 1 of 1,614,258 alleles (0.000062%); highest among the groups gnomAD compares: Non-Finnish European, 0.000085%; no homozygotes.

Submissions (3):

Myriad Genetics, Inc.
Classification: Benign for Tuberous sclerosis 1. Last evaluated: 2025-04-29. Review status: criteria provided, single submitter. Criteria: Myriad Autosomal Dominant, Autosomal Recessive and X-Linked Classification Criteria (2023). Collection method: clinical testing. Allele origin: unknown.
Comment: This variant is considered benign. This variant is a silent/synonymous amino acid change and it is not expected to impact splicing.

Labcorp Genetics (formerly Invitae), Labcorp
Classification: Likely benign for Tuberous sclerosis 1. Last evaluated: 2024-07-03. Review status: criteria provided, single submitter. Criteria: Invitae Variant Classification Sherloc (09022015). Collection method: clinical testing. Allele origin: germline.

Ambry Genetics
Classification: Likely benign for Hereditary cancer-predisposing syndrome. Last evaluated: 2024-02-07. Review status: criteria provided, single submitter. Criteria: Ambry Variant Classification Scheme 2023. Collection method: clinical testing. Allele origin: germline.

NM_000368.5(TSC1):c.2883G>A (p.Glu961=)

Gene: TSC1 (TSC complex subunit 1; minus strand). Cytogenetic location: 9q34.13.
Variant type: single nucleotide variant.
Coding change: c.2883G>A on transcript NM_000368.5 (MANE Select); coding-DNA position 2883, G replaced by A.
Protein change: p.Glu961=; no amino-acid change (glutamic acid 961 retained).
Molecular consequence: synonymous variant. On other transcripts: non-coding transcript variant (5).
Genome position (GRCh38, 1-based): chr9:132,897,276, C>T on the plus strand (G>A on the coding strand, the complement: TSC1 is on the minus strand). VCF-style: chr9-132897276-C-T. GRCh37 (hg19) VCF-style: chr9-135772663-C-T.
Other names: c.2880G>A, p.Glu960= (NM_001162426.2, NM_001406597.1, NM_001406598.1 and 2 more transcripts); c.2730G>A, p.Glu910= (NM_001162427.2, NM_001406610.1); c.2520G>A, p.Glu840= (NM_001362177.2, NM_001406614.1, NM_001406615.1 and 4 more transcripts); c.2883G>A, p.Glu961= (NM_001406592.1, NM_001406593.1, NM_001406594.1 and 2 more transcripts); c.2868G>A, p.Glu956= (NM_001406601.1, NM_001406602.1); c.2865G>A, p.Glu955= (NM_001406603.1, NM_001406604.1); c.2841G>A, p.Glu947= (NM_001406605.1, NM_001406606.1, NM_001406607.1); c.2838G>A, p.Glu946= (NM_001406608.1, NM_001406609.1); and 8 more.
Identifiers: ClinVar variation 3231309 (VCV003231309.4), dbSNP rs2131626309, ClinGen allele CA467812668.